The following is an entry in ClinVar:

NM_005529.7(HSPG2):c.8983A>G (p.Ser2995Gly)

Gene: HSPG2 (heparan sulfate proteoglycan 2; minus strand). Cytogenetic location: 1p36.12.
Variant type: single nucleotide variant.
Coding change: c.8983A>G on transcript NM_005529.7 (MANE Select); coding-DNA position 8983, A replaced by G.
Protein change: p.Ser2995Gly; replaces serine 2995 with glycine.
Molecular consequence: missense variant.
Genome position (GRCh38, 1-based): chr1:21,842,308, T>C on the plus strand (A>G on the coding strand, the complement: HSPG2 is on the minus strand). VCF-style: chr1-21842308-T-C. GRCh37 (hg19) VCF-style: chr1-22168801-T-C.
Other names: c.8986A>G, p.Ser2996Gly (NM_001291860.2); short protein forms S2995G, S2996G.
Identifiers: ClinVar variation 295764 (VCV000295764.31), dbSNP rs2229491, ClinGen allele CA670594.

ClinVar aggregate classification (germline): Benign/Likely benign. Review status: criteria provided, multiple submitters, no conflicts (2 of 4 stars). 9 submissions from 7 submitters: Benign (8); Likely benign (1). Last evaluated 2026-02-04.

Conditions:
Schwartz-Jampel syndrome. Also called: Myotonic myopathy dwarfism chondrodystrophy and ocular and facial abnormalities. Identifiers: Orphanet 800, MedGen C0036391, MONDO:0009717.
Lethal Kniest-like syndrome (DDSH). Also called: Dyssegmental Dysplasia. Identifiers: Orphanet 1865, MedGen C1857100, MONDO:0009140, OMIM 224410.

Allele frequency attached by ClinVar (database versions not stated): gnomAD exomes 0.07603 and 0.08282; ExAC 0.08122; 1000 Genomes Project 0.08866; 1000 Genomes Project 30x 0.09072; gnomAD 0.10205 and 0.10503; TOPMed 0.10509; ESP Exome Variant Server 0.11218.
gnomAD v4.1: 136,602 of 1,613,086 alleles (8.5%); highest among the groups gnomAD compares: African/African-American, 18%; 6,654 homozygotes.

Submissions (9):

Labcorp Genetics (formerly Invitae), Labcorp
Classification: Benign. Last evaluated: 2026-02-04. Review status: criteria provided, single submitter. Criteria: Invitae Variant Classification Sherloc (09022015). Collection method: clinical testing. Allele origin: germline.

ARUP Laboratories, Molecular Genetics and Genomics, ARUP Laboratories
Classification: Benign. Last evaluated: 2025-07-22. Review status: criteria provided, single submitter. Criteria: ARUP Molecular Germline Variant Investigation Process 2024. Collection method: clinical testing. Allele origin: germline.

Blueprint Genetics
Classification: Likely benign. Last evaluated: 2024-11-26. Review status: criteria provided, single submitter. Criteria: ACMG Guidelines, 2015. Collection method: clinical testing. Allele origin: germline.

Genome-Nilou Lab
Classification: Benign for Lethal Kniest-like syndrome. Last evaluated: 2021-08-10. Review status: criteria provided, single submitter. Criteria: ACMG Guidelines, 2015. Collection method: clinical testing. Allele origin: germline. Affected: no.

Genome-Nilou Lab
Classification: Benign for Schwartz-Jampel syndrome type 1. Last evaluated: 2021-08-10. Review status: criteria provided, single submitter. Criteria: ACMG Guidelines, 2015. Collection method: clinical testing. Allele origin: germline. Affected: no.

GeneDx
Classification: Benign. Last evaluated: 2018-08-25. Review status: criteria provided, single submitter. Criteria: GeneDx Variant Classification Process June 2021. Collection method: clinical testing. Allele origin: germline. Affected: yes.

Illumina Laboratory Services, Illumina
Classification: Benign for Lethal Kniest-like syndrome. Last evaluated: 2018-01-13. Review status: criteria provided, single submitter. Criteria: ICSL Variant Classification Criteria 13 December 2019. Collection method: clinical testing. Allele origin: germline.
Comment: This variant was observed in the ICSL laboratory as part of a predisposition screen in an ostensibly healthy population. It had not been previously curated by ICSL or reported in the Human Gene Mutation Database (HGMD: prior to June 1st, 2018), and was therefore a candidate for classification through an automated scoring system. Utilizing variant allele frequency, disease prevalence and penetrance estimates, and inheritance mode, an automated score was calculated to assess if this variant is too frequent to cause the disease. Based on the score and internal cut-off values, a variant classified as benign is not then subjected to further curation. The score for this variant resulted in a classification of benign for this disease.

Illumina Laboratory Services, Illumina
Classification: Benign for Schwartz-Jampel syndrome type 1. Last evaluated: 2018-01-13. Review status: criteria provided, single submitter. Criteria: ICSL Variant Classification Criteria 13 December 2019. Collection method: clinical testing. Allele origin: germline.
Comment: the same text as in the submission from Illumina Laboratory Services, Illumina above.

Breakthrough Genomics
Classification: Benign. Review status: criteria provided, single submitter. Criteria: ACMG Guidelines, 2015. Collection method: not provided. Allele origin: germline. Inheritance: Autosomal recessive inheritance. Affected: yes.